The following is an entry in ClinVar:

NM_000059.4(BRCA2):c.8579A>G (p.Lys2860Arg)

Gene: BRCA2 (BRCA2 DNA repair associated; plus strand). Cytogenetic location: 13q13.1.
Variant type: single nucleotide variant.
Coding change: c.8579A>G on transcript NM_000059.4 (MANE Select); coding-DNA position 8579, A replaced by G.
Protein change: p.Lys2860Arg; replaces lysine 2860 with arginine.
Molecular consequence: missense variant.
Genome position (GRCh38, 1-based): chr13:32,371,047, A>G. VCF-style: chr13-32371047-A-G. GRCh37 (hg19) VCF-style: chr13-32945184-A-G.
Other names: c.8483A>G, p.Lys2828Arg (NM_001406719.1); c.8579A>G, p.Lys2860Arg (NM_001406720.1); c.3647A>G, p.Lys1216Arg (NM_001406721.1); c.2162A>G, p.Lys721Arg (NM_001406722.1); short protein forms K2828R, K2860R, K1216R, K721R.
Identifiers: ClinVar variation 1763900 (VCV001763900.6), dbSNP rs2137600643, ClinGen allele CA387752835.

ClinVar aggregate classification (germline): Conflicting classifications of pathogenicity. Review status: criteria provided, conflicting classifications (1 of 4 stars). 3 submissions from 3 submitters: Uncertain significance (2); Likely benign (1). Last evaluated 2025-05-15.

Conditions:
Hereditary breast ovarian cancer syndrome. Also called: Breast and ovarian cancer; Hereditary breast and ovarian cancer syndrome (HBOC); Hereditary breast and ovarian cancer syndrome; Hereditary breast and/or ovarian cancer syndrome; Hereditary breast and ovarian cancer; BRCA1- and BRCA2-Associated Hereditary Breast and Ovarian Cancer. Identifiers: Orphanet 145, MedGen C0677776, MeSH D061325, MONDO:0003582. Disease mechanism: loss of function.
Hereditary cancer-predisposing syndrome. Also called: Hereditary Cancer Syndrome; Hereditary neoplastic syndrome; Neoplastic Syndromes, Hereditary; Tumor predisposition. Identifiers: Orphanet 140162, MedGen C0027672, MeSH D009386, MONDO:0015356.

Allele frequency attached by ClinVar (database versions not stated): gnomAD exomes below 0.00001.
gnomAD v4.1: 1 of 1,614,184 alleles (0.000062%); highest among the groups gnomAD compares: Non-Finnish European, 0.000085%; no homozygotes.

Submissions (3):

Ambry Genetics
Classification: Likely benign for Hereditary cancer-predisposing syndrome. Last evaluated: 2025-05-15. Review status: criteria provided, single submitter. Criteria: Ambry Variant Classification Scheme 2023. Collection method: clinical testing. Allele origin: germline.

Labcorp Genetics (formerly Invitae), Labcorp
Classification: Uncertain significance for Hereditary breast ovarian cancer syndrome. Last evaluated: 2024-06-26. Review status: criteria provided, single submitter. Criteria: Invitae Variant Classification Sherloc (09022015). Collection method: clinical testing. Allele origin: germline.
Comment: This sequence change replaces lysine, which is basic and polar, with arginine, which is basic and polar, at codon 2860 of the BRCA2 protein (p.Lys2860Arg). This variant is not present in population databases (gnomAD no frequency). This variant has not been reported in the literature in individuals affected with BRCA2-related conditions. ClinVar contains an entry for this variant (Variation ID: 1763900). Advanced modeling of protein sequence and biophysical properties (such as structural, functional, and spatial information, amino acid conservation, physicochemical variation, residue mobility, and thermodynamic stability) performed at Invitae indicates that this missense variant is not expected to disrupt BRCA2 protein function with a negative predictive value of 95%. In summary, the available evidence is currently insufficient to determine the role of this variant in disease. Therefore, it has been classified as a Variant of Uncertain Significance.

Blueprint Genetics
Classification: Uncertain significance. Last evaluated: 2023-02-13. Review status: criteria provided, single submitter. Criteria: ACMG Guidelines, 2015. Collection method: clinical testing. Allele origin: germline.